The following is an entry in ClinVar:

ClinVar aggregate classification (germline): Likely benign (1 of 4 stars; one submission).

Allele frequency attached by ClinVar (database versions not stated): ExAC 0.00005.

Submission:

CeGaT Center for Human Genetics Tuebingen
Classification: Likely benign. Last evaluated: 2023-11-01. Review status: criteria provided, single submitter. Criteria: CeGaT Center For Human Genetics Tuebingen Variant Classification Criteria Version 2. Collection method: clinical testing. Allele origin: germline. Affected: yes. Observed: 1 variant allele.
Comment: MUC2: BP4, BP7

NM_002457.5(MUC2):c.11934A>G (p.Pro3978=)

Gene: MUC2 (mucin 2, oligomeric mucus/gel-forming; plus strand). Cytogenetic location: 11p15.5.
Variant type: single nucleotide variant.
Coding change: c.11934A>G on transcript NM_002457.5 (MANE Select); coding-DNA position 11934, A replaced by G.
Protein change: p.Pro3978=; no amino-acid change (proline 3978 retained).
Molecular consequence: synonymous variant.
Genome position (GRCh38, 1-based): chr11:1,099,268, A>G. VCF-style: chr11-1099268-A-G. GRCh37 (hg19) VCF-style: chr11-1093176-A-G.
Identifiers: ClinVar variation 2672432 (VCV002672432.23), dbSNP rs779391314, ClinGen allele CA5799982.